The following is an entry in ClinVar:

NM_000512.5(GALNS):c.1023C>G (p.Ser341Arg)

Gene: GALNS (galactosamine (N-acetyl)-6-sulfatase; minus strand). Cytogenetic location: 16q24.3.
Variant type: single nucleotide variant.
Coding change: c.1023C>G on transcript NM_000512.5 (MANE Select); coding-DNA position 1023, C replaced by G.
Protein change: p.Ser341Arg; replaces serine 341 with arginine.
Molecular consequence: missense variant.
Genome position (GRCh38, 1-based): chr16:88,826,818, G>C on the plus strand (C>G on the coding strand, the complement: GALNS is on the minus strand). VCF-style: chr16-88826818-G-C. GRCh37 (hg19) VCF-style: chr16-88893226-G-C.
Other names: c.468C>G, p.Ser156Arg (NM_001323543.2); c.1041C>G, p.Ser347Arg (NM_001323544.2); short protein forms S156R, S341R, S347R.
Identifiers: ClinVar variation 1048436 (VCV001048436.3), dbSNP rs2142995871, ClinGen allele CA397098621.

ClinVar aggregate classification (germline): Likely pathogenic (1 of 4 stars; one submission).

Conditions:
Mucopolysaccharidosis, MPS-IV-A (MPS4A). Also called: Mucopolysaccharidosis type IV A; Mucopolysaccharidosis Type IVA; Morquio syndrome A, mild; MORQUIO SYNDROME A; MPS IVA; mucopolysaccharidosis type 4A. Identifiers: Orphanet 309297, Orphanet 582, MedGen C0086651, MONDO:0009659, OMIM 253000.

Submission:

Laboratory of Diagnosis and Therapy of Lysosomal Disorders, University of Padova
Classification: Likely pathogenic for Mucopolysaccharidosis, MPS-IV-A. Last evaluated: 2021-02-01. Review status: criteria provided, single submitter. Criteria: ACMG Guidelines, 2015. Collection method: curation. Allele origin: germline. Affected: yes.
Comment: In vivo functional studies supportive of a damaging effect on the gene product (low to null enzymatic activity in homozygotes; PS3_supporting); the prevalence of the variant in affected individuals is significantly increased compared with the prevalence in controls (PS4_strong); absent from gnomAD v2.1.1 (PM2_moderate); multiple lines of computational evidence support a deleterious effect on the gene (PP3_supporting)

Literature cited by the submitters: PubMed 15309681; PubMed 16287098; PubMed 23876334; PubMed 34387910.